The following is an entry in ClinVar:

ClinVar aggregate classification (germline): Uncertain significance (1 of 4 stars; one submission).

Submission:

Labcorp Genetics (formerly Invitae), Labcorp
Classification: Uncertain significance. Last evaluated: 2021-12-19. Review status: criteria provided, single submitter. Criteria: Invitae Variant Classification Sherloc (09022015). Collection method: clinical testing. Allele origin: germline.
Comment: In summary, the available evidence is currently insufficient to determine the role of this variant in disease. Therefore, it has been classified as a Variant of Uncertain Significance. Algorithms developed to predict the effect of missense changes on protein structure and function (SIFT, PolyPhen-2, Align-GVGD) all suggest that this variant is likely to be disruptive. This variant has not been reported in the literature in individuals affected with POLE-related conditions. This variant is not present in population databases (gnomAD no frequency). This sequence change replaces aspartic acid, which is acidic and polar, with histidine, which is basic and polar, at codon 787 of the POLE protein (p.Asp787His).

NM_006231.4(POLE):c.2359G>C (p.Asp787His)

Gene: POLE (DNA polymerase epsilon, catalytic subunit; minus strand). Cytogenetic location: 12q24.33.
Variant type: single nucleotide variant.
Coding change: c.2359G>C on transcript NM_006231.4 (MANE Select); coding-DNA position 2359, G replaced by C.
Protein change: p.Asp787His; replaces aspartic acid 787 with histidine.
Molecular consequence: missense variant.
Genome position (GRCh38, 1-based): chr12:132,665,411, C>G on the plus strand (G>C on the coding strand, the complement: POLE is on the minus strand). VCF-style: chr12-132665411-C-G. GRCh37 (hg19) VCF-style: chr12-133241997-C-G.
Other names: short protein forms D787H.
Identifiers: ClinVar variation 2048310 (VCV002048310.4), dbSNP rs878854851, ClinGen allele CA387397735.